The following is an entry in ClinVar:

ClinVar aggregate classification (germline): Uncertain significance (1 of 4 stars; one submission).

Submission:

Labcorp Genetics (formerly Invitae), Labcorp
Classification: Uncertain significance. Last evaluated: 2022-05-27. Review status: criteria provided, single submitter. Criteria: Invitae Variant Classification Sherloc (09022015). Collection method: clinical testing. Allele origin: germline.
Comment: In summary, the available evidence is currently insufficient to determine the role of this variant in disease. Therefore, it has been classified as a Variant of Uncertain Significance. Experimental studies and prediction algorithms are not available or were not evaluated, and the functional significance of this variant is currently unknown. This variant has not been reported in the literature in individuals affected with COL18A1-related conditions. This variant is not present in population databases (gnomAD no frequency). This sequence change replaces glycine, which is neutral and non-polar, with aspartic acid, which is acidic and polar, at codon 160 of the COL18A1 protein (p.Gly160Asp).

NM_001379500.1(COL18A1):c.479G>A (p.Gly160Asp)

Gene: COL18A1 (collagen type XVIII alpha 1 chain; plus strand). Cytogenetic location: 21q22.3.
Variant type: single nucleotide variant.
Coding change: c.479G>A on transcript NM_001379500.1 (MANE Select); coding-DNA position 479, G replaced by A.
Protein change: p.Gly160Asp; replaces glycine 160 with aspartic acid.
Molecular consequence: missense variant.
Genome position (GRCh38, 1-based): chr21:45,468,614, G>A. VCF-style: chr21-45468614-G-A. GRCh37 (hg19) VCF-style: chr21-46888528-G-A.
Other names: c.1019G>A, p.Gly340Asp (NM_030582.4); c.1724G>A, p.Gly575Asp (NM_130444.3); short protein forms G575D, G160D, G340D.
Identifiers: ClinVar variation 1955479 (VCV001955479.5), dbSNP rs866586030, ClinGen allele CA321906371.